The following is an entry in ClinVar:

ClinVar aggregate classification (germline): Likely benign (1 of 4 stars; one submission).

Conditions:
Lynch syndrome. Identifiers: Orphanet 144, MedGen C4552100, MONDO:0005835. Disease mechanism: loss of function.

Submission:

University of Washington Department of Laboratory Medicine, University of Washington
Classification: Likely benign for Lynch syndrome. Last evaluated: 2018-05-01. Review status: criteria provided, single submitter. Criteria: Shirts BH et al. (Am J Hum Genet 2018). Collection method: clinical testing. Allele origin: somatic. Affected: yes.
Comment: MSH6 NM_000179.2:c.542A>C has a 1.8% probability of pathogenicity based on combining prior probability from public data with a likelihood ratio of 0.16 to 1, generated from evidence of seeing this as a somatic mutation in a tumor with loss of heterozygosity at the MSH6 locus. See Shirts et al 2018, PMID 29887214.

NM_000179.3(MSH6):c.542A>C (p.Glu181Ala)

Gene: MSH6 (mutS homolog 6; plus strand). Cytogenetic location: 2p16.3.
Variant type: single nucleotide variant.
Coding change: c.542A>C on transcript NM_000179.3 (MANE Select); coding-DNA position 542, A replaced by C.
Protein change: p.Glu181Ala; replaces glutamic acid 181 with alanine.
Molecular consequence: missense variant. On other transcripts: 5 prime UTR variant (1), intron variant (2).
Genome position (GRCh38, 1-based): chr2:47,795,978, A>C. VCF-style: chr2-47795978-A-C. GRCh37 (hg19) VCF-style: chr2-48023117-A-C.
Other names: c.-361A>C (NM_001281494.2); c.-279-2633A>C (NM_001281493.2); c.238-2633A>C (NM_001281492.2); short protein forms E181A.
Identifiers: ClinVar variation 619530 (VCV000619530.3), dbSNP rs1558656620, ClinGen allele CA346738726.